The following is an entry in ClinVar:

ClinVar aggregate classification (germline): Uncertain significance. Review status: criteria provided, multiple submitters, no conflicts (2 of 4 stars). 2 submissions from 2 submitters: Uncertain significance (2). Last evaluated 2025-02-10.

Conditions:
Fanconi anemia (FA). Also called: Fanconi's anemia. Identifiers: Orphanet 84, MedGen C0015625, MeSH D005199, MONDO:0019391.

Submissions (2):

Labcorp Genetics (formerly Invitae), Labcorp
Classification: Uncertain significance for Fanconi anemia. Last evaluated: 2025-02-10. Review status: criteria provided, single submitter. Criteria: Invitae Variant Classification Sherloc (09022015). Collection method: clinical testing. Allele origin: germline.
Comment: This sequence change replaces glutamic acid, which is acidic and polar, with glutamine, which is neutral and polar, at codon 454 of the SLX4 protein (p.Glu454Gln). This variant is not present in population databases (gnomAD no frequency). This variant has not been reported in the literature in individuals affected with SLX4-related conditions. ClinVar contains an entry for this variant (Variation ID: 3364665). An algorithm developed to predict the effect of missense changes on protein structure and function (PolyPhen-2) suggests that this variant is likely to be tolerated. In summary, the available evidence is currently insufficient to determine the role of this variant in disease. Therefore, it has been classified as a Variant of Uncertain Significance.

GeneDx
Classification: Uncertain significance. Last evaluated: 2023-11-27. Review status: criteria provided, single submitter. Criteria: GeneDx Variant Classification Process June 2021. Collection method: clinical testing. Allele origin: germline. Affected: yes.
Comment: Not observed at significant frequency in large population cohorts (gnomAD); In silico analysis supports that this missense variant does not alter protein structure/function; Has not been previously published as pathogenic or benign to our knowledge

NM_032444.4(SLX4):c.1360G>C (p.Glu454Gln)

Gene: SLX4 (SLX4 structure-specific endonuclease subunit; minus strand). Cytogenetic location: 16p13.3.
Variant type: single nucleotide variant.
Coding change: c.1360G>C on transcript NM_032444.4 (MANE Select); coding-DNA position 1360, G replaced by C.
Protein change: p.Glu454Gln; replaces glutamic acid 454 with glutamine.
Molecular consequence: missense variant.
Genome position (GRCh38, 1-based): chr16:3,597,803, C>G on the plus strand (G>C on the coding strand, the complement: SLX4 is on the minus strand). VCF-style: chr16-3597803-C-G. GRCh37 (hg19) VCF-style: chr16-3647804-C-G.
Other names: short protein forms E454Q.
Identifiers: ClinVar variation 3364665 (VCV003364665.3).